The following is an entry in ClinVar:

ClinVar aggregate classification (germline): Pathogenic (1 of 4 stars; one submission).

Conditions:
Neurodegeneration with brain iron accumulation 5 (NBIA5). Also called: STATIC ENCEPHALOPATHY OF CHILDHOOD WITH NEURODEGENERATION IN ADULTHOOD; Beta-propeller protein-associated neurodegeneration. Identifiers: Orphanet 329284, MedGen C3550973, MONDO:0010476, OMIM 300894.

Submission:

Labcorp Genetics (formerly Invitae), Labcorp
Classification: Pathogenic for Neurodegeneration with brain iron accumulation 5. Last evaluated: 2025-08-21. Review status: criteria provided, single submitter. Criteria: Invitae Variant Classification Sherloc (09022015). Collection method: clinical testing. Allele origin: germline.
Comment: This sequence change affects a donor splice site in intron 4 of the WDR45 gene. It is expected to disrupt RNA splicing. Variants that disrupt the donor or acceptor splice site typically lead to a loss of protein function (PMID: 16199547), and loss-of-function variants in WDR45 are known to be pathogenic (PMID: 23176820, 24368176, 24621584, 25744623, 26790960, 27030146, 27652284, 28554332). This variant is not present in population databases (gnomAD no frequency). Disruption of this splice site has been observed in individuals with clinical features of WDR45-related conditions (PMID: 36751498; internal data). ClinVar contains an entry for this variant (Variation ID: 1470615). Algorithms developed to predict the effect of sequence changes on RNA splicing suggest that this variant may disrupt the consensus splice site. For these reasons, this variant has been classified as Pathogenic.

Literature cited by the submitters: PubMed 16199547; PubMed 23176820; PubMed 24368176; PubMed 24621584; PubMed 25744623; PubMed 26790960; PubMed 27030146; PubMed 27652284; PubMed 28554332; PubMed 36751498.

NM_001029896.2(WDR45):c.130+2T>C

Genes: WDR45 (WD repeat domain 45; minus strand), LOC126863256 (BRD4-independent group 4 enhancer GRCh37_chrX:48934848-48936047; plus strand). Cytogenetic location: Xp11.23.
Variant type: single nucleotide variant.
Coding change: c.130+2T>C on transcript NM_001029896.2 (MANE Select); the canonical splice donor site of the intron after coding-DNA position 130, T replaced by C.
Molecular consequence: splice donor variant.
Genome position (GRCh38, 1-based): chrX:49,077,835, A>G on the plus strand (T>C on the coding strand, the complement: WDR45 is on the minus strand). VCF-style: chrX-49077835-A-G. GRCh37 (hg19) VCF-style: chrX-48935494-A-G.
Other names: c.130+2T>C (NM_007075.4).
Identifiers: ClinVar variation 1470615 (VCV001470615.6), dbSNP rs2147817625, ClinGen allele CA412949277.